The following is an entry in ClinVar:

ClinVar aggregate classification (germline): Likely benign (1 of 4 stars; one submission).

gnomAD v4.1: 280 of 1,614,016 alleles (0.017%); highest among the groups gnomAD compares: African/African-American, 0.34%; 1 homozygote.

Submission:

CeGaT Center for Human Genetics Tuebingen
Classification: Likely benign. Last evaluated: 2026-07-01. Review status: criteria provided, single submitter. Criteria: CeGaT Center For Human Genetics Tuebingen Variant Classification Criteria Version 2. Collection method: clinical testing. Allele origin: germline. Affected: yes. Observed: 2 variant alleles.
Comment: ANO1: BP4

NM_018043.7(ANO1):c.1836G>A (p.Leu612=)

Gene: ANO1 (anoctamin 1; plus strand). Cytogenetic location: 11q13.3.
Variant type: single nucleotide variant.
Coding change: c.1836G>A on transcript NM_018043.7 (MANE Select); coding-DNA position 1836, G replaced by A.
Protein change: p.Leu612=; no amino-acid change (leucine 612 retained).
Molecular consequence: synonymous variant. On other transcripts: non-coding transcript variant (1).
Genome position (GRCh38, 1-based): chr11:70,161,677, G>A. VCF-style: chr11-70161677-G-A. GRCh37 (hg19) VCF-style: chr11-70007783-G-A.
Other names: c.2025G>A, p.Leu675= (NM_001378092.1); c.1824G>A, p.Leu608= (NM_001378093.1, NM_001378094.2, NM_001378095.2); c.1746G>A, p.Leu582= (NM_001378096.2); c.1659G>A, p.Leu553= (NM_001378097.2).
Identifiers: ClinVar variation 5038882 (VCV005038882.1).